The following is an entry in ClinVar:

ClinVar aggregate classification (germline): Likely pathogenic (1 of 4 stars; one submission).

Conditions:
MADD-related disorder. Also called: MADD-related condition; MADD-Related Disorders.

Submission:

Rady Children's Institute for Genomic Medicine, Rady Children's Hospital San Diego
Classification: Likely pathogenic for MADD-related disorders. Last evaluated: 2023-12-09. Review status: criteria provided, single submitter. Criteria: ACMG Guidelines, 2015. Collection method: clinical testing. Allele origin: germline. Affected: yes.
Comment: This frameshifting variant in exon 9 of 36 is predicted to result in loss of normal protein function through either protein truncation or nonsense-mediated mRNA decay. Loss-of-function variation in MADD has been reported in individuals with autosomal recessive MADD-related disorders (PMID: 32761064). This variant has not been previously reported or functionally characterized in the literature to our knowledge. The c.1603dup (p.Gln535ProfsTer23) variant is absent from the gnomAD population database and thus is presumed to be rare. Based on the available evidence, c.1603dup (p.Gln535ProfsTer23) is classified as Likely Pathogenic.

NM_001376571.1(MADD):c.1603dup (p.Gln535fs)

Gene: MADD (MAP kinase activating death domain; plus strand). Cytogenetic location: 11p11.2.
Variant type: Duplication.
Coding change: c.1603dup on transcript NM_001376571.1 (MANE Select); coding-DNA position 1603, one base duplicated (C; older notation c.1603dupC).
Protein change: p.Gln535fs; shifts the reading frame from glutamine 535.
Molecular consequence: frameshift variant. On other transcripts: non-coding transcript variant (8).
Genome position (GRCh38, 1-based): chr11:47,282,514, C duplicated. VCF-style (leftmost placement, unchanged base first): chr11-47282513-G-GC. GRCh37 (hg19) VCF-style: chr11-47304064-G-GC.
Other names: c.1603dup, p.Gln535fs (NM_001135943.2, NM_001135944.2, NM_001376572.1 and 80 more transcripts); c.1399dup, p.Gln467fs (NM_001376620.1, NM_001376626.1, NM_001376627.1 and 9 more transcripts); c.937dup, p.Gln313fs (NM_001376663.1); short protein forms Q313fs, Q467fs, Q535fs.
Identifiers: ClinVar variation 3773863 (VCV003773863.1).